The following is an entry in ClinVar:

ClinVar aggregate classification (germline): Uncertain significance (1 of 4 stars; one submission).

Conditions:
Capillary infantile hemangioma. Also called: HEMANGIOMA, HEREDITARY CAPILLARY; Hemangioma, capillary infantile, somatic; Hereditary capillary infantile hemangioma. Identifiers: MedGen C1865871, MONDO:0011191, OMIM 602089.

gnomAD v4.1: 366 of 1,613,890 alleles (0.023%); highest among the groups gnomAD compares: East Asian, 0.6%; 3 homozygotes.

Submission:

Clinical Genomics Laboratory, Washington University in St. Louis
Classification: Uncertain significance for Capillary infantile hemangioma. Last evaluated: 2026-05-03. Review status: criteria provided, single submitter. Criteria: ACMG Guidelines, 2015. Collection method: clinical testing. Allele origin: germline.
Comment: A KDR c.2837G>A (p.Arg946His) variant was identified at a near heterozygous allelic fraction of 47.8%, a frequency which may be consistent with germline origin. This variant, to our knowledge, has not been reported in the medical literature or in the ClinVar database. It is observed on 366/1,613,890 alleles in the general population (gnomAD v4.1.1), including three homozygotes. Computational predictors are uncertain as to the impact of this variant on KDR function. Due to limited information, and based on ACMG/AMP guidelines for variant interpretation (Richards S et al., PMID: 25741868), the clinical significance of this variant is uncertain at this time.

NM_002253.4(KDR):c.2837G>A (p.Arg946His)

Gene: KDR (kinase insert domain receptor; minus strand). Cytogenetic location: 4q12.
Variant type: single nucleotide variant.
Coding change: c.2837G>A on transcript NM_002253.4 (MANE Select); coding-DNA position 2837, G replaced by A.
Protein change: p.Arg946His; replaces arginine 946 with histidine.
Molecular consequence: missense variant.
Genome position (GRCh38, 1-based): chr4:55,094,936, C>T on the plus strand (G>A on the coding strand, the complement: KDR is on the minus strand). VCF-style: chr4-55094936-C-T. GRCh37 (hg19) VCF-style: chr4-55961103-C-T.
Other names: short protein forms R946H.
Identifiers: ClinVar variation 4974659 (VCV004974659.1).